The following is an entry in ClinVar:

NM_000059.4(BRCA2):c.986G>C (p.Arg329Thr)

Gene: BRCA2 (BRCA2 DNA repair associated; plus strand). Cytogenetic location: 13q13.1.
Variant type: single nucleotide variant.
Coding change: c.986G>C on transcript NM_000059.4 (MANE Select); coding-DNA position 986, G replaced by C.
Protein change: p.Arg329Thr; replaces arginine 329 with threonine.
Molecular consequence: missense variant.
Genome position (GRCh38, 1-based): chr13:32,332,464, G>C. VCF-style: chr13-32332464-G-C. GRCh37 (hg19) VCF-style: chr13-32906601-G-C.
Other names: short protein forms R329T.
Identifiers: ClinVar variation 441515 (VCV000441515.10), dbSNP rs1555281666, ClinGen allele CA387760972.
Genomic context (GRCh38, chr13:32,332,464, plus strand): 5'-CATTATGTTTTTCTAAATGTAGAACAAAAAATCTACAAAAAGTAAGAACTAGCAAGACTA[G>C]GAAAAAAATTTTCCATGAAGCAAACGCTGATGAATGTGAAAAATCTAAAAACCAAGTGAA-3'
Protein context (NP_000050.3, residues 319-339): NLQKVRTSKT[Arg329Thr]KKIFHEANAD

ClinVar aggregate classification (germline): Conflicting classifications of pathogenicity. Review status: criteria provided, conflicting classifications (1 of 4 stars). 3 submissions from 3 submitters: Uncertain significance (2); Likely benign (1). Last evaluated 2023-03-23.

Conditions:
Hereditary cancer-predisposing syndrome. Also called: Hereditary Cancer Syndrome; Hereditary neoplastic syndrome; Neoplastic Syndromes, Hereditary; Tumor predisposition. Identifiers: Orphanet 140162, MedGen C0027672, MeSH D009386, MONDO:0015356.
Hereditary breast ovarian cancer syndrome. Also called: Hereditary breast and ovarian cancer; Breast and ovarian cancer; Hereditary breast and ovarian cancer syndrome; Hereditary breast and/or ovarian cancer syndrome; BRCA1- and BRCA2-Associated Hereditary Breast and Ovarian Cancer; Hereditary breast and ovarian cancer syndrome (HBOC). Identifiers: Orphanet 145, MedGen C0677776, MeSH D061325, MONDO:0003582. Disease mechanism: loss of function.

Submissions (3):

University of Washington Department of Laboratory Medicine, University of Washington
Classification: Likely benign for Hereditary cancer-predisposing syndrome. Last evaluated: 2023-03-23. Review status: criteria provided, single submitter. Criteria: Dines et al. (Genet Med. 2020). Collection method: curation. Allele origin: germline.
Comment: Missense variant in a coldspot region where missense variants are very unlikely to be pathogenic (PMID:31911673).

BRCA2 exon 10 coldspot. Reclassification based on statistical prior probability.

Labcorp Genetics (formerly Invitae), Labcorp
Classification: Uncertain significance for Hereditary breast ovarian cancer syndrome. Last evaluated: 2022-12-11. Review status: criteria provided, single submitter. Criteria: Invitae Variant Classification Sherloc (09022015). Collection method: clinical testing. Allele origin: germline.
Comment: This sequence change replaces arginine, which is basic and polar, with threonine, which is neutral and polar, at codon 329 of the BRCA2 protein (p.Arg329Thr). In summary, the available evidence is currently insufficient to determine the role of this variant in disease. Therefore, it has been classified as a Variant of Uncertain Significance. Advanced modeling of protein sequence and biophysical properties (such as structural, functional, and spatial information, amino acid conservation, physicochemical variation, residue mobility, and thermodynamic stability) performed at Invitae indicates that this missense variant is not expected to disrupt BRCA2 protein function. ClinVar contains an entry for this variant (Variation ID: 441515). This missense change has been observed in individual(s) with breast and/or ovarian cancer (PMID: 21120943). This variant is not present in population databases (gnomAD no frequency).

Ambry Genetics
Classification: Uncertain significance for Hereditary cancer-predisposing syndrome. Last evaluated: 2016-12-08. Review status: criteria provided, single submitter. Criteria: Ambry Variant Classification Scheme 2023. Collection method: clinical testing. Allele origin: germline.
Comment: The p.R329T variant (also known as c.986G>C), located in coding exon 9 of the BRCA2 gene, results from a G to C substitution at nucleotide position 986. The arginine at codon 329 is replaced by threonine, an amino acid with similar properties. This amino acid position is well conserved in available vertebrate species. In addition, this alteration is predicted to be tolerated by in silico analysis. Since supporting evidence is limited at this time, the clinical significance of this alteration remains unclear.

Literature cited by the submitters: PubMed 21120943 (cited by Labcorp Genetics (formerly Invitae), Labcorp).